The following is an entry in ClinVar:

ClinVar aggregate classification (germline): Likely benign. Review status: criteria provided, multiple submitters, no conflicts (2 of 4 stars). 3 submissions from 3 submitters: Likely benign (3). Last evaluated 2025-09-14.

Conditions:
Hereditary cancer-predisposing syndrome. Also called: Hereditary neoplastic syndrome; Tumor predisposition; Neoplastic Syndromes, Hereditary; Hereditary Cancer Syndrome. Identifiers: Orphanet 140162, MedGen C0027672, MeSH D009386, MONDO:0015356.
Hereditary diffuse gastric adenocarcinoma (HDGC). Also called: DIFFUSE GASTRIC AND LOBULAR BREAST CANCER SYNDROME. Identifiers: Orphanet 26106, MedGen C1708349, MONDO:0007648, OMIM 137215.

Allele frequency attached by ClinVar (database versions not stated): ExAC 0.00001; TOPMed 0.00001; ESP Exome Variant Server 0.00008.
gnomAD v4.1: 1 of 1,612,494 alleles (0.000062%); highest among the groups gnomAD compares: Non-Finnish European, 0.000085%; no homozygotes.

Submissions (3):

Labcorp Genetics (formerly Invitae), Labcorp
Classification: Likely benign. Last evaluated: 2025-09-14. Review status: criteria provided, single submitter. Criteria: Invitae Variant Classification Sherloc (09022015). Collection method: clinical testing. Allele origin: germline.

Ambry Genetics
Classification: Likely benign for Hereditary cancer-predisposing syndrome. Last evaluated: 2025-09-12. Review status: criteria provided, single submitter. Criteria: Ambry Variant Classification Scheme 2023. Collection method: clinical testing. Allele origin: germline.

Myriad Genetics, Inc.
Classification: Likely benign for Hereditary diffuse gastric adenocarcinoma. Last evaluated: 2024-10-10. Review status: criteria provided, single submitter. Criteria: Myriad Autosomal Dominant, Autosomal Recessive and X-Linked Classification Criteria (2023). Collection method: clinical testing. Allele origin: unknown.
Comment: This variant is considered likely benign. This variant is intronic and is not expected to impact mRNA splicing.

NM_001903.5(CTNNA1):c.589-4G>T

Gene: CTNNA1 (catenin alpha 1; plus strand). Cytogenetic location: 5q31.2.
Variant type: single nucleotide variant.
Coding change: c.589-4G>T on transcript NM_001903.5 (MANE Select); 4 bases into the intron before coding-DNA position 589, G replaced by T.
Molecular consequence: intron variant.
Genome position (GRCh38, 1-based): chr5:138,824,526, G>T. VCF-style: chr5-138824526-G-T. GRCh37 (hg19) VCF-style: chr5-138160215-G-T.
Other names: c.589-4G>T (NM_001903.2, NM_001323982.2, NM_001323984.2 and 4 more transcripts); c.220-4G>T (NM_001290310.3); c.280-4G>T (NM_001290309.3).
Identifiers: ClinVar variation 1110290 (VCV001110290.11), dbSNP rs372115808, ClinGen allele CA3431506.